The following is an entry in ClinVar:

NM_032043.3(BRIP1):c.3455C>T (p.Thr1152Ile)

Gene: BRIP1 (BRCA1 interacting DNA helicase 1; minus strand). Cytogenetic location: 17q23.2.
Variant type: single nucleotide variant.
Coding change: c.3455C>T on transcript NM_032043.3 (MANE Select); coding-DNA position 3455, C replaced by T.
Protein change: p.Thr1152Ile; replaces threonine 1152 with isoleucine.
Molecular consequence: missense variant.
Genome position (GRCh38, 1-based): chr17:61,683,591, G>A on the plus strand (C>T on the coding strand, the complement: BRIP1 is on the minus strand). VCF-style: chr17-61683591-G-A. GRCh37 (hg19) VCF-style: chr17-59760952-G-A.
Other names: short protein forms T1152I.
Identifiers: ClinVar variation 2449924 (VCV002449924.2), dbSNP rs2144075371, ClinGen allele CA400478687.

ClinVar aggregate classification (germline): Uncertain significance (1 of 4 stars; one submission).

Conditions:
Hereditary cancer-predisposing syndrome. Also called: Neoplastic Syndromes, Hereditary; Tumor predisposition; Hereditary neoplastic syndrome; Hereditary Cancer Syndrome. Identifiers: Orphanet 140162, MedGen C0027672, MeSH D009386, MONDO:0015356.

Allele frequency attached by ClinVar (database versions not stated): gnomAD exomes below 0.00001.
gnomAD v4.1: 1 of 1,612,282 alleles (0.000062%); highest among the groups gnomAD compares: Non-Finnish European, 0.000085%; no homozygotes.

Submission:

Ambry Genetics
Classification: Uncertain significance for Hereditary cancer-predisposing syndrome. Last evaluated: 2022-12-17. Review status: criteria provided, single submitter. Criteria: Ambry Variant Classification Scheme 2023. Collection method: clinical testing. Allele origin: germline.
Comment: The p.T1152I variant (also known as c.3455C>T), located in coding exon 19 of the BRIP1 gene, results from a C to T substitution at nucleotide position 3455. The threonine at codon 1152 is replaced by isoleucine, an amino acid with similar properties. This amino acid position is conserved. In addition, this alteration is predicted to be tolerated by in silico analysis. Since supporting evidence is limited at this time, the clinical significance of this alteration remains unclear.